The following is an entry in ClinVar:

ClinVar aggregate classification (germline): Uncertain significance (1 of 4 stars; one submission).

Conditions:
BICC1-related disorder. Also called: BICC1-related condition.

Submission:

PreventionGenetics, part of Exact Sciences
Classification: Uncertain significance for BICC1-related condition. Last evaluated: 2026-04-28. Review status: criteria provided, single submitter. Criteria: ACMG Guidelines, 2015. Collection method: clinical testing. Allele origin: germline.
Comment: The BICC1 c.2527A>C variant is predicted to result in the amino acid substitution p.Lys843Gln. To our knowledge, this variant has not been reported in the literature or in a large population database (gnomAD), indicating this variant is rare. At this time, the clinical significance of this variant is uncertain due to the absence of conclusive functional and genetic evidence.

NM_001080512.3(BICC1):c.2527A>C (p.Lys843Gln)

Gene: BICC1 (BicC family RNA binding protein 1; plus strand). Cytogenetic location: 10q21.1.
Variant type: single nucleotide variant.
Coding change: c.2527A>C on transcript NM_001080512.3 (MANE Select); coding-DNA position 2527, A replaced by C.
Protein change: p.Lys843Gln; replaces lysine 843 with glutamine.
Molecular consequence: missense variant.
Genome position (GRCh38, 1-based): chr10:58,813,980, A>C. VCF-style: chr10-58813980-A-C. GRCh37 (hg19) VCF-style: chr10-60573740-A-C.
Other names: short protein forms K843Q.
Identifiers: ClinVar variation 4998729 (VCV004998729.1).